The following is an entry in ClinVar:

ClinVar aggregate classification (germline): Uncertain significance. Review status: criteria provided, multiple submitters, no conflicts (2 of 4 stars). 2 submissions from 2 submitters: Uncertain significance (2). Last evaluated 2024-10-30.

gnomAD v4.1: 7 of 1,607,016 alleles (0.00044%); highest among the groups gnomAD compares: Non-Finnish European, 0.0006%; no homozygotes.

Submissions (2):

GeneDx
Classification: Uncertain significance. Last evaluated: 2024-10-30. Review status: criteria provided, single submitter. Criteria: GeneDx Variant Classification Process June 2021. Collection method: clinical testing. Allele origin: germline. Affected: yes.
Comment: In silico analysis supports that this missense variant has a deleterious effect on protein structure/function; Has not been previously published as pathogenic or benign to our knowledge

Labcorp Genetics (formerly Invitae), Labcorp
Classification: Uncertain significance. Last evaluated: 2024-03-22. Review status: criteria provided, single submitter. Criteria: Invitae Variant Classification Sherloc (09022015). Collection method: clinical testing. Allele origin: germline.
Comment: This sequence change replaces aspartic acid, which is acidic and polar, with valine, which is neutral and non-polar, at codon 458 of the KAT6A protein (p.Asp458Val). This variant is present in population databases (rs139151187, gnomAD 0.002%). This variant has not been reported in the literature in individuals affected with KAT6A-related conditions. An algorithm developed to predict the effect of missense changes on protein structure and function (PolyPhen-2) suggests that this variant is likely to be tolerated. In summary, the available evidence is currently insufficient to determine the role of this variant in disease. Therefore, it has been classified as a Variant of Uncertain Significance.

NM_006766.5(KAT6A):c.1373A>T (p.Asp458Val)

Gene: KAT6A (lysine acetyltransferase 6A; minus strand). Cytogenetic location: 8p11.21.
Variant type: single nucleotide variant.
Coding change: c.1373A>T on transcript NM_006766.5 (MANE Select); coding-DNA position 1373, A replaced by T.
Protein change: p.Asp458Val; replaces aspartic acid 458 with valine.
Molecular consequence: missense variant.
Genome position (GRCh38, 1-based): chr8:41,974,813, T>A on the plus strand (A>T on the coding strand, the complement: KAT6A is on the minus strand). VCF-style: chr8-41974813-T-A. GRCh37 (hg19) VCF-style: chr8-41832331-T-A.
Other names: c.1373A>T (NM_006766.3); c.1373A>T, p.Asp458Val (NM_001305878.2); short protein forms D458V.
Identifiers: ClinVar variation 3613576 (VCV003613576.3).
Genomic context (GRCh38, chr8:41,974,813, plus strand): 5'-GTCATGATTTCCTGGCTCCCAAAAAGTCGCTCCTCATTTTCTTGTTTGCCATCCCAGCCA[T>A]CCTGATTGTCTACATATAAAAAAAGAGCTCACATGTTAACTGTCCCCAGATTAATACATG-3'
Protein context (NP_006757.2, residues 448-468): STSDWPTDNQ[Asp458Val]GWDGKQENEE